The following is an entry in ClinVar:

ClinVar aggregate classification (germline): Uncertain significance (1 of 4 stars; one submission).

Submission:

GeneDx
Classification: Uncertain significance. Last evaluated: 2022-05-17. Review status: criteria provided, single submitter. Criteria: GeneDx Variant Classification Process June 2021. Collection method: clinical testing. Allele origin: germline. Affected: yes.
Comment: Not observed at significant frequency in large population cohorts (gnomAD); In silico analysis supports that this missense variant has a deleterious effect on protein structure/function; Has not been previously published as pathogenic or benign to our knowledge

NM_017934.7(PHIP):c.738T>A (p.Asp246Glu)

Gene: PHIP (PHIP subunit of CUL4-Ring ligase complex; minus strand). Cytogenetic location: 6q14.1.
Variant type: single nucleotide variant.
Coding change: c.738T>A on transcript NM_017934.7 (MANE Select); coding-DNA position 738, T replaced by A.
Protein change: p.Asp246Glu; replaces aspartic acid 246 with glutamic acid.
Molecular consequence: missense variant.
Genome position (GRCh38, 1-based): chr6:79,026,027, A>T on the plus strand (T>A on the coding strand, the complement: PHIP is on the minus strand). VCF-style: chr6-79026027-A-T. GRCh37 (hg19) VCF-style: chr6-79735744-A-T.
Other names: short protein forms D246E.
Identifiers: ClinVar variation 1800694 (VCV001800694.1), dbSNP rs761246582, ClinGen allele CA364639845.